The following is an entry in ClinVar:

ClinVar aggregate classification (germline): Pathogenic/Likely pathogenic. Review status: criteria provided, multiple submitters, no conflicts (2 of 4 stars). 5 submissions from 5 submitters: Pathogenic (2); Likely pathogenic (3). Last evaluated 2025-12-28.

Conditions:
Inborn genetic diseases. Identifiers: MedGen C0950123, MeSH D030342.
Thyroid dyshormonogenesis 6 (TDH6). Also called: HYPOTHYROIDISM, CONGENITAL, DUE TO DYSHORMONOGENESIS, 6; THYROID HORMONOGENESIS, GENETIC DEFECT IN, 6; Genetic transient congenital hypothyroidism. Identifiers: Orphanet 226316, Orphanet 95716, MedGen C1846632, MONDO:0011792, OMIM 607200.

Allele frequency attached by ClinVar (database versions not stated): gnomAD 0.00001 and 0.00003; ExAC 0.00005; TOPMed 0.00005; gnomAD exomes 0.00008.
gnomAD v4.1: 92 of 1,614,112 alleles (0.0057%); highest among the groups gnomAD compares: East Asian, 0.098%; no homozygotes.

Submissions (5):

Labcorp Genetics (formerly Invitae), Labcorp
Classification: Pathogenic. Last evaluated: 2025-12-28. Review status: criteria provided, single submitter. Criteria: Invitae Variant Classification Sherloc (09022015). Collection method: clinical testing. Allele origin: germline.
Comment: This sequence change replaces glutamic acid, which is acidic and polar, with lysine, which is basic and polar, at codon 879 of the DUOX2 protein (p.Glu879Lys). This variant is present in population databases (rs774556391, gnomAD 0.1%). This missense change has been observed in individual(s) with congenital hypothyroidism (PMID: 18765513, 25248169, 26349762, 26709262, 29650690, 32425884). In at least one individual the data is consistent with being in trans (on the opposite chromosome) from a pathogenic variant. It has also been observed to segregate with disease in related individuals. ClinVar contains an entry for this variant (Variation ID: 1324306). Invitae Evidence Modeling of protein sequence and biophysical properties (such as structural, functional, and spatial information, amino acid conservation, physicochemical variation, residue mobility, and thermodynamic stability) indicates that this missense variant is expected to disrupt DUOX2 protein function with a positive predictive value of 80%. Experimental studies have shown that this missense change affects DUOX2 function (PMID: 25248169). For these reasons, this variant has been classified as Pathogenic.

Ambry Genetics
Classification: Likely pathogenic for Inborn genetic diseases. Last evaluated: 2025-03-07. Review status: criteria provided, single submitter. Criteria: Ambry Variant Classification Scheme 2023. Collection method: clinical testing. Allele origin: germline.
Comment: The c.2635G>A (p.E879K) alteration is located in exon 20 (coding exon 19) of the DUOX2 gene. This alteration results from a G to A substitution at nucleotide position 2635, causing the glutamic acid (E) at amino acid position 879 to be replaced by a lysine (K). Based on data from gnomAD, the A allele has an overall frequency of 0.007% (20/282818) total alleles studied. The highest observed frequency was 0.09% (18/19952) of East Asian alleles. This variant has been identified in conjunction with other DUOX2 variants in individuals with features consistent with DUOX2-related thyroid dyshormonogenesis; in at least one instance, the variants were identified in trans (Fu, 2015; Mei, 2022; Ye, 2023). This amino acid position is well conserved in available vertebrate species. In multiple assays testing DUOX2 function, this variant showed functionally abnormal results (Jin 2014; Sun, 2021). This alteration is predicted to be deleterious by in silico analysis. Based on the available evidence, this alteration is classified as likely pathogenic.

Fulgent Genetics
Classification: Likely pathogenic for Thyroid dyshormonogenesis 6. Last evaluated: 2024-05-23. Review status: criteria provided, single submitter. Criteria: ACMG Guidelines, 2015. Collection method: clinical testing. Allele origin: germline.

Revvity Omics, Revvity
Classification: Likely pathogenic for Thyroid dyshormonogenesis 6. Last evaluated: 2021-05-12. Review status: criteria provided, single submitter. Criteria: ACMG Guidelines, 2015. Collection method: clinical testing. Allele origin: germline.

Juno Genomics, Hangzhou Juno Genomics, Inc
Classification: Pathogenic for Thyroid dyshormonogenesis 6. Review status: criteria provided, single submitter. Criteria: ACMG Guidelines, 2015. Collection method: clinical testing. Allele origin: germline.
Comment: For recessive disorders, detected in trans with a pathogenic variant.;Patient's phenotype or family history is highly specific for a disease with a single genetic etiology.;Well-established in vitro or in vivo functional studies supportive of a damaging effect on the gene or gene product.

Literature cited by the submitters: PubMed 18765513 (cited by Labcorp Genetics (formerly Invitae), Labcorp); PubMed 25248169 (cited by Labcorp Genetics (formerly Invitae), Labcorp and Ambry Genetics); PubMed 26349762 (cited by Labcorp Genetics (formerly Invitae), Labcorp and Ambry Genetics); PubMed 26709262 (cited by Labcorp Genetics (formerly Invitae), Labcorp); PubMed 29650690 (cited by Labcorp Genetics (formerly Invitae), Labcorp); PubMed 32425884 (cited by Labcorp Genetics (formerly Invitae), Labcorp); PubMed 34564849 (cited by Ambry Genetics); PubMed 34953813 (cited by Ambry Genetics); PubMed 37252044 (cited by Ambry Genetics).

NM_001363711.2(DUOX2):c.2635G>A (p.Glu879Lys)

Gene: DUOX2 (dual oxidase 2; minus strand). Cytogenetic location: 15q21.1.
Variant type: single nucleotide variant.
Coding change: c.2635G>A on transcript NM_001363711.2 (MANE Select); coding-DNA position 2635, G replaced by A.
Protein change: p.Glu879Lys; replaces glutamic acid 879 with lysine.
Molecular consequence: missense variant.
Genome position (GRCh38, 1-based): chr15:45,103,979, C>T on the plus strand (G>A on the coding strand, the complement: DUOX2 is on the minus strand). VCF-style: chr15-45103979-C-T. GRCh37 (hg19) VCF-style: chr15-45396177-C-T.
Other names: c.2635G>A, p.Glu879Lys (NM_014080.5); short protein forms E879K.
Identifiers: ClinVar variation 1324306 (VCV001324306.17), dbSNP rs774556391, ClinGen allele CA7538200.